The following is an entry in ClinVar:

NM_001365536.1(SCN9A):c.52C>T (p.Gln18Ter)

Gene: SCN9A (sodium voltage-gated channel alpha subunit 9; minus strand). Cytogenetic location: 2q24.3.
Variant type: single nucleotide variant.
Coding change: c.52C>T on transcript NM_001365536.1 (MANE Select); coding-DNA position 52, C replaced by T.
Protein change: p.Gln18Ter; replaces glutamine 18 with a stop codon.
Molecular consequence: nonsense.
Genome position (GRCh38, 1-based): chr2:166,311,705, G>A on the plus strand (C>T on the coding strand, the complement: SCN9A is on the minus strand). VCF-style: chr2-166311705-G-A. GRCh37 (hg19) VCF-style: chr2-167168215-G-A.
Other names: c.52C>T, p.Gln18Ter (NM_002977.4); short protein forms Q18*.
Identifiers: ClinVar variation 3750885 (VCV003750885.2).
Genomic context (GRCh38, chr2:166,311,705, plus strand): 5'-CTTCTTTGGGTTCCTTTGATTTTCTTTCAGCAATGCGTTGTTCAATGAGGGCAAGAGACT[G>A]TTTTGTGAAATGGACAAAGCTCTGAGGTCCTGGGGGAGGCAACATTGCCATCTTTTCATC-3'

ClinVar aggregate classification (germline): Pathogenic (1 of 4 stars; one submission).

Conditions:
Neuropathy, hereditary sensory and autonomic, type 2A (HSAN2A). Also called: MORVAN DISEASE; NEUROPATHY, CONGENITAL SENSORY; NEUROPATHY, HEREDITARY SENSORY RADICULAR, AUTOSOMAL RECESSIVE; NEUROPATHY, HEREDITARY SENSORY, TYPE IIA; NEUROPATHY, PROGRESSIVE SENSORY, OF CHILDREN; ACROOSTEOLYSIS, GIACCAI TYPE. Identifiers: Orphanet 970, MedGen C2752089, MONDO:0024309, OMIM 201300.
Generalized epilepsy with febrile seizures plus, type 7 (GEFSP7). Also called: GEFS+, TYPE 7. Identifiers: Orphanet 36387, MedGen C2751778, MONDO:0013470, OMIM 613863.

gnomAD v4.1: 1 of 1,612,186 alleles (0.000062%); highest among the groups gnomAD compares: East Asian, 0.0022%; no homozygotes.

Submission:

Labcorp Genetics (formerly Invitae), Labcorp
Classification: Pathogenic for Neuropathy, hereditary sensory and autonomic, type 2A; Generalized epilepsy with febrile seizures plus, type 7. Last evaluated: 2024-11-07. Review status: criteria provided, single submitter. Criteria: Invitae Variant Classification Sherloc (09022015). Collection method: clinical testing. Allele origin: germline.
Comment: This sequence change creates a premature translational stop signal (p.Gln18*) in the SCN9A gene. It is expected to result in an absent or disrupted protein product. Loss-of-function variants in SCN9A are known to be pathogenic (PMID: 17470132, 19304393). This variant is present in population databases (no rsID available, gnomAD 0.006%). This variant has not been reported in the literature in individuals affected with SCN9A-related conditions. For these reasons, this variant has been classified as Pathogenic.

Literature cited by the submitters: PubMed 17470132; PubMed 19304393.